The following is an entry in ClinVar:

NM_000466.3(PEX1):c.788_789del (p.Thr263fs)

Gene: PEX1 (peroxisomal biogenesis factor 1; minus strand). Cytogenetic location: 7q21.2.
Variant type: Deletion.
Coding change: c.788_789del on transcript NM_000466.3 (MANE Select); coding-DNA positions 788 to 789, 2 bases deleted (CA; older notation c.788_789delCA).
Protein change: p.Thr263fs; shifts the reading frame from threonine 263.
Molecular consequence: frameshift variant.
Genome position (GRCh38, 1-based): chr7:92,517,726-92,517,727, TG deleted on the plus strand (CA on the coding strand, the reverse complement: PEX1 is on the minus strand); deleting any 2 consecutive bases within chr7:92,517,726-92,517,728 gives the same sequence; the c. name uses the placement nearest the transcript's 3' end. VCF-style (leftmost placement, unchanged base first): chr7-92517725-ATG-A. GRCh37 (hg19) VCF-style: chr7-92147039-ATG-A.
Other names: c.788_789del, p.Thr263fs (NM_001282677.2); c.164_165del, p.Thr55fs (NM_001282678.2); short protein forms T263fs, T55fs.
Identifiers: ClinVar variation 1098755 (VCV001098755.5), dbSNP rs61750404, ClinGen allele CA161973661.

ClinVar aggregate classification (germline): Pathogenic. Review status: criteria provided, multiple submitters, no conflicts (2 of 4 stars). 3 submissions from 3 submitters: Pathogenic (2). 1 of the submissions does not count toward it. Last evaluated 2023-02-11.

Conditions:
Peroxisome biogenesis disorder. Identifiers: Orphanet 79189, MedGen C1832200, MONDO:0019234. Disease mechanism: loss of function.
Zellweger spectrum disorders (ZS). Also called: Zellweger syndrome; Zellweger Spectrum Disorder; Zellweger Spectrum; Zellweger Spectrum Disorder (ZSD). Identifiers: Orphanet 912, MedGen C0043459, MONDO:0019609.

Submissions (3):

Labcorp Genetics (formerly Invitae), Labcorp
Classification: Pathogenic for Zellweger spectrum disorders. Last evaluated: 2023-02-11. Review status: criteria provided, single submitter. Criteria: Invitae Variant Classification Sherloc (09022015). Collection method: clinical testing. Allele origin: germline.
Comment: This sequence change creates a premature translational stop signal (p.Thr263Ilefs*6) in the PEX1 gene. It is expected to result in an absent or disrupted protein product. Loss-of-function variants in PEX1 are known to be pathogenic (PMID: 9398847, 16086329, 16141001, 21031596, 26387595, 31831025). This variant is not present in population databases (gnomAD no frequency). This premature translational stop signal has been observed in individual(s) with Zellweger syndrome (PMID: 11389485). ClinVar contains an entry for this variant (Variation ID: 1098755). For these reasons, this variant has been classified as Pathogenic.

Women's Health and Genetics/Laboratory Corporation of America, LabCorp
Classification: Pathogenic for Peroxisome biogenesis disorder. Last evaluated: 2021-04-26. Review status: criteria provided, single submitter. Criteria: LabCorp Variant Classification Summary - May 2015. Collection method: clinical testing. Allele origin: germline.
Comment: Variant summary: PEX1 c.788_789delCA (p.Thr263IlefsX6) results in a premature termination codon, predicted to cause a truncation of the encoded protein or absence of the protein due to nonsense mediated decay, which are commonly known mechanisms for disease. The variant was absent in 249934 control chromosomes (gnomAD). c.788_789delCA has been reported in the literature in at least an individual (compound heterozygous) affected with classical Zellweger Syndrome (Walter_2001) and in another heterozygous individual (whose complete genotype was not specified) with Zellweger spectrum (Rosewich_2005). These data indicate that the variant may be associated with disease. At least one publication reports experimental evidence evaluating an impact on protein function. Fibroblasts from the patient who carried the variant of interest another pathogenic truncating variant showed no protein expression (Walter_2001). No clinical diagnostic laboratories have submitted clinical-significance assessments for this variant to ClinVar after 2014. Based on the evidence outlined above, the variant was classified as pathogenic.

Natera, Inc.
Classification: Pathogenic for Zellweger syndrome. Last evaluated: 2021-10-12. Review status: no assertion criteria provided. Collection method: clinical testing. Allele origin: germline. Not counted in ClinVar's aggregate classification.

Literature cited by the submitters: PubMed 9398847 (cited by Labcorp Genetics (formerly Invitae), Labcorp); PubMed 16086329 (cited by Labcorp Genetics (formerly Invitae), Labcorp); PubMed 16141001 (cited by Labcorp Genetics (formerly Invitae), Labcorp and Women's Health and Genetics/Laboratory Corporation of America, LabCorp); PubMed 21031596 (cited by Labcorp Genetics (formerly Invitae), Labcorp); PubMed 26387595 (cited by Labcorp Genetics (formerly Invitae), Labcorp); PubMed 31831025 (cited by Labcorp Genetics (formerly Invitae), Labcorp); PubMed 11389485 (cited by Labcorp Genetics (formerly Invitae), Labcorp and Women's Health and Genetics/Laboratory Corporation of America, LabCorp).